The following is an entry in ClinVar:

ClinVar aggregate classification (germline): Conflicting classifications of pathogenicity. Review status: criteria provided, conflicting classifications (1 of 4 stars). 5 submissions from 5 submitters: Uncertain significance (2); Likely benign (2). 1 of the submissions does not count toward it. Last evaluated 2025-12-24.

Conditions:
Blau syndrome (BLAUS). Also called: ARTHROCUTANEOUVEAL GRANULOMATOSIS; GRANULOMATOSIS, FAMILIAL JUVENILE SYSTEMIC; GRANULOMATOSIS, FAMILIAL, BLAU TYPE; GRANULOMATOUS INFLAMMATORY ARTHRITIS, DERMATITIS, AND UVEITIS, FAMILIAL; JABS SYNDROME. Identifiers: Orphanet 90340, MedGen C5201146, MONDO:0008523, OMIM 186580.
Regional enteritis. Also called: Enteritis, Granulomatous. Identifiers: MedGen C0678202, MeSH D003424.

Allele frequency attached by ClinVar (database versions not stated): gnomAD 0.00001 and 0.00002; gnomAD exomes 0.00003 and 0.00009; TOPMed 0.00004; ExAC 0.00006.
gnomAD v4.1: 42 of 1,614,208 alleles (0.0026%); highest among the groups gnomAD compares: Middle Eastern, 0.049%; 1 homozygote.

Submissions (5):

Labcorp Genetics (formerly Invitae), Labcorp
Classification: Likely benign for Regional enteritis; Blau syndrome. Last evaluated: 2025-12-24. Review status: criteria provided, single submitter. Criteria: Invitae Variant Classification Sherloc (09022015). Collection method: clinical testing. Allele origin: germline.

Women's Health and Genetics/Laboratory Corporation of America, LabCorp
Classification: Likely benign. Last evaluated: 2025-09-24. Review status: criteria provided, single submitter. Criteria: LabCorp Variant Classification Summary - May 2015. Collection method: clinical testing. Allele origin: germline.
Comment: Variant summary: NOD2 c.1171C>T (p.Arg391Cys) results in a non-conservative amino acid change in the encoded protein sequence. Algorithms developed to predict the effect of missense changes on protein structure and function are either unavailable or do not agree on the potential impact of this missense change. The variant allele was found at a frequency of 9.1e-05 in 251446 control chromosomes. The observed variant frequency exceeds the estimated maximal expected allele frequency for disease-causing variants in NOD2. To our knowledge, no occurrence of c.1171C>T in individuals affected with NOD2-related conditions and no experimental evidence demonstrating its impact on protein function have been reported. ClinVar contains an entry for this variant (Variation ID: 97823). Based on the evidence outlined above, the variant was classified as likely benign.

ARUP Laboratories, Molecular Genetics and Genomics, ARUP Laboratories
Classification: Uncertain significance. Last evaluated: 2025-03-14. Review status: criteria provided, single submitter. Criteria: ARUP Molecular Germline Variant Investigation Process 2024. Collection method: clinical testing. Allele origin: germline.
Comment: The NOD2 c.1171C>T; p.Arg391Cys variant (rs104895481, ClinVar Variation ID: 97823), to our knowledge, this variant is not reported in the medical literature in individuals with Blau syndrome. This variant is reported in an individual affected with indeterminate colitis (Schnitzler 2006). This variant is found in the Admixed American population with an allele frequency of 0.06% (21/34,592 alleles) in the Genome Aggregation Database (v2.1.1). Computational analyses are uncertain whether this variant is neutral or deleterious (REVEL: 0.241). Due to limited information, the clinical significance of this variant is uncertain at this time. References: Schnitzler F et al. Eight novel CARD15 variants detected by DNA sequence analysis of the CARD15 gene in 111 patients with inflammatory bowel disease. Immunogenetics. 2006 Apr;58(2-3):99-106. PMID: 16485124.

Blueprint Genetics
Classification: Uncertain significance. Last evaluated: 2021-02-17. Review status: criteria provided, single submitter. Criteria: ACMG Guidelines, 2015. Collection method: clinical testing. Allele origin: germline.

Unité médicale des maladies autoinflammatoires, CHRU Montpellier
No classification provided. Condition: Sarcoidosis, early-onset. Review status: no classification provided. Collection method: not provided. Allele origin: unknown. Not counted in ClinVar's aggregate classification.
Comment: also involved in OMIM 186580 and 266600

Literature cited by the submitters: PubMed 16485124 (cited by Women's Health and Genetics/Laboratory Corporation of America, LabCorp).

NM_001370466.1(NOD2):c.1090C>T (p.Arg364Cys)

Gene: NOD2 (nucleotide binding oligomerization domain containing 2; plus strand). Cytogenetic location: 16q12.1.
Variant type: single nucleotide variant.
Coding change: c.1090C>T on transcript NM_001370466.1 (MANE Select); coding-DNA position 1090, C replaced by T.
Protein change: p.Arg364Cys; replaces arginine 364 with cysteine.
Molecular consequence: missense variant. On other transcripts: non-coding transcript variant (1).
Genome position (GRCh38, 1-based): chr16:50,711,082, C>T. VCF-style: chr16-50711082-C-T. GRCh37 (hg19) VCF-style: chr16-50744993-C-T.
Other names: c.1090C>T, p.Arg364Cys (NM_001293557.2); c.1171C>T, p.Arg391Cys (NM_022162.3); c.1171C>T (LRG_177t1); short protein forms R391C, R364C.
Identifiers: ClinVar variation 97823 (VCV000097823.10), dbSNP rs104895481, ClinGen allele CA150181.